The following is an entry in ClinVar:

NM_004380.3(CREBBP):c.6603_6620del (p.Gln2211_Gln2216del)

Gene: CREBBP (CREB binding lysine acetyltransferase; minus strand). Cytogenetic location: 16p13.3.
Variant type: Deletion.
Coding change: c.6603_6620del on transcript NM_004380.3 (MANE Select); coding-DNA positions 6603 to 6620, 18 bases deleted (GCAGCAACAGCAGCAGCA).
Protein change: p.Gln2211_Gln2216del.
Molecular consequence: inframe deletion.
Genome position (GRCh38, 1-based): chr16:3,728,427-3,728,444, TGCTGCTGCTGTTGCTGC deleted on the plus strand (GCAGCAACAGCAGCAGCA on the coding strand, the reverse complement: CREBBP is on the minus strand); deleting any 18 consecutive bases within chr16:3,728,427-3,728,453 gives the same sequence; the c. name uses the placement nearest the transcript's 3' end. VCF-style (leftmost placement, unchanged base first): chr16-3728426-TTGCTGCTGCTGTTGCTGC-T. GRCh37 (hg19) VCF-style: chr16-3778427-TTGCTGCTGCTGTTGCTGC-T.
Other names: c.6489_6506del, p.Gln2173_Gln2178del (NM_001079846.1); c.6603_6620del (NM_004380.2).
Identifiers: ClinVar variation 1468220 (VCV001468220.7), dbSNP rs2151302749, ClinGen allele CA2573152057.

ClinVar aggregate classification (germline): Uncertain significance. Review status: criteria provided, multiple submitters, no conflicts (2 of 4 stars). 2 submissions from 2 submitters: Uncertain significance (2). Last evaluated 2023-08-07.

Conditions:
Rubinstein-Taybi syndrome (RSTS). Identifiers: Orphanet 783, MedGen C0035934, MONDO:0019188.

Submissions (2):

GeneDx
Classification: Uncertain significance. Last evaluated: 2023-08-07. Review status: criteria provided, single submitter. Criteria: GeneDx Variant Classification Process June 2021. Collection method: clinical testing. Allele origin: germline. Affected: yes.
Comment: Not observed at significant frequency in large population cohorts (gnomAD); In-frame deletion of 6 amino acids in a repetitive region with no known function; Has not been previously published as pathogenic or benign to our knowledge

Labcorp Genetics (formerly Invitae), Labcorp
Classification: Uncertain significance for Rubinstein-Taybi syndrome. Last evaluated: 2021-12-19. Review status: criteria provided, single submitter. Criteria: Invitae Variant Classification Sherloc (09022015). Collection method: clinical testing. Allele origin: germline.
Comment: In summary, the available evidence is currently insufficient to determine the role of this variant in disease. Therefore, it has been classified as a Variant of Uncertain Significance. Experimental studies and prediction algorithms are not available or were not evaluated, and the functional significance of this variant is currently unknown. This variant has not been reported in the literature in individuals affected with CREBBP-related conditions. This variant is not present in population databases (gnomAD no frequency). This variant, c.6603_6620del, results in the deletion of 6 amino acid(s) of the CREBBP protein (p.Gln2211_Gln2216del), but otherwise preserves the integrity of the reading frame.